The following is an entry in ClinVar:

ClinVar aggregate classification (germline): Pathogenic. Review status: criteria provided, multiple submitters, no conflicts (2 of 4 stars). 3 submissions from 3 submitters: Pathogenic (3). Last evaluated 2026-08-13.

Conditions:
Fetal anomalies with a likely genetic cause.

Allele frequency attached by ClinVar (database versions not stated): TOPMed 0.00002.
gnomAD v4.1: 7 of 1,613,876 alleles (0.00043%); highest among the groups gnomAD compares: Non-Finnish European, 0.00059%; no homozygotes.

Submissions (3):

Genetics Laboratory, Great Ormond Street Hospital NHS Foundation Trust, North Thames Genomic Laboratory Hub
Classification: Pathogenic for Fetal anomalies with a likely genetic cause. Last evaluated: 2026-08-13. Review status: criteria provided, single submitter. Criteria: ACGS Best Practice Guidelines for Variant Classification in Rare Disease 2024 v1.2. Collection method: clinical testing. Allele origin: germline. Affected: yes.
Comment: PM2_moderate, PVS1_very-strong, PM3_moderate

Labcorp Genetics (formerly Invitae), Labcorp
Classification: Pathogenic. Last evaluated: 2024-01-25. Review status: criteria provided, single submitter. Criteria: Invitae Variant Classification Sherloc (09022015). Collection method: clinical testing. Allele origin: germline.
Comment: This sequence change creates a premature translational stop signal (p.Tyr1235*) in the RTTN gene. It is expected to result in an absent or disrupted protein product. Loss-of-function variants in RTTN are known to be pathogenic (PMID: 26608784, 26846091). This variant is present in population databases (rs375510822, gnomAD 0.003%). This premature translational stop signal has been observed in individual(s) with RTTN-related conditions (PMID: 30879067). ClinVar contains an entry for this variant (Variation ID: 871897). For these reasons, this variant has been classified as Pathogenic.

CeGaT Center for Human Genetics Tuebingen
Classification: Pathogenic. Last evaluated: 2019-10-01. Review status: criteria provided, single submitter. Criteria: CeGaT Center For Human Genetics Tuebingen Variant Classification Criteria Version 2. Collection method: clinical testing. Allele origin: germline. Affected: yes. Observed: 2 variant alleles.

Literature cited by the submitters: PubMed 26608784 (cited by Labcorp Genetics (formerly Invitae), Labcorp); PubMed 26846091 (cited by Labcorp Genetics (formerly Invitae), Labcorp); PubMed 30879067 (cited by Labcorp Genetics (formerly Invitae), Labcorp).

NM_173630.4(RTTN):c.3705C>A (p.Tyr1235Ter)

Gene: RTTN (rotatin; minus strand). Cytogenetic location: 18q22.2.
Variant type: single nucleotide variant.
Coding change: c.3705C>A on transcript NM_173630.4 (MANE Select); coding-DNA position 3705, C replaced by A.
Protein change: p.Tyr1235Ter; replaces tyrosine 1235 with a stop codon.
Molecular consequence: nonsense.
Genome position (GRCh38, 1-based): chr18:70,109,696, G>T on the plus strand (C>A on the coding strand, the complement: RTTN is on the minus strand). VCF-style: chr18-70109696-G-T. GRCh37 (hg19) VCF-style: chr18-67776932-G-T.
Other names: c.969C>A, p.Tyr323Ter (NM_001318520.2); short protein forms Y1235*, Y323*.
Identifiers: ClinVar variation 871897 (VCV000871897.44), dbSNP rs375510822, ClinGen allele CA8995512.